The following is an entry in ClinVar:

ClinVar aggregate classification (germline): Uncertain significance (1 of 4 stars; one submission).

Conditions:
Cardiac arrhythmia. Also called: Arrhythmia; Cardiac rhythm disease. Identifiers: MedGen C0003811, MONDO:0007263, HP:0011675.

gnomAD v4.1: 4 of 1,614,202 alleles (0.00025%); highest among the groups gnomAD compares: Non-Finnish European, 0.00034%; no homozygotes.

Submission:

Color Diagnostics, LLC DBA Color Health
Classification: Uncertain significance for Cardiac arrhythmia. Last evaluated: 2025-07-18. Review status: criteria provided, single submitter. Criteria: ACMG Guidelines, 2015. Collection method: clinical testing. Allele origin: germline.
Comment: This missense variant replaces glutamic acid with glutamine at codon 480 of the KCNH2 protein. This variant is located within the conserved transmembrane-spanning S2/S3 (aa 472-495) of the KCNH2 protein. Rare non-truncating variants in this region have been shown to be significantly overrepresented in individuals with long QT syndrome (PMID: 32893267). Computational prediction suggests that this variant may have a deleterious impact on protein structure and function. To our knowledge, functional studies have not been reported for this variant. This variant has not been reported in individuals affected with KCNH2-related disorders in the literature. This variant has not been identified in the general population by the Genome Aggregation Database (gnomAD). The available evidence is insufficient to determine the role of this variant in disease conclusively. Therefore, this variant is classified as a Variant of Uncertain Significance.

Literature cited by the submitters: PubMed 32893267.

NM_000238.4(KCNH2):c.1438G>C (p.Glu480Gln)

Gene: KCNH2 (potassium voltage-gated channel subfamily H member 2; minus strand). Cytogenetic location: 7q36.1.
Variant type: single nucleotide variant.
Coding change: c.1438G>C on transcript NM_000238.4 (MANE Select); coding-DNA position 1438, G replaced by C.
Protein change: p.Glu480Gln; replaces glutamic acid 480 with glutamine.
Molecular consequence: missense variant. On other transcripts: non-coding transcript variant (2).
Genome position (GRCh38, 1-based): chr7:150,952,544, C>G on the plus strand (G>C on the coding strand, the complement: KCNH2 is on the minus strand). VCF-style: chr7-150952544-C-G. GRCh37 (hg19) VCF-style: chr7-150649632-C-G.
Other names: c.1438G>C, p.Glu480Gln (NM_172056.3); c.418G>C, p.Glu140Gln (NM_172057.3, NM_001204798.2); c.1150G>C, p.Glu384Gln (NM_001406753.1, NM_001406756.1); c.1261G>C, p.Glu421Gln (NM_001406755.1); c.1138G>C, p.Glu380Gln (NM_001406757.1); short protein forms E140Q, E380Q, E384Q, E421Q, E480Q.
Identifiers: ClinVar variation 4757710 (VCV004757710.1).
Genomic context (GRCh38, chr7:150,952,544, plus strand): 5'-TGAGGAACCAGCCCTTGAAGTAGTGGACGGCGATGCGGCCGGGGTGGCTGACCACCTCCT[C>G]GTTGGCATTGACGTAGGTGGTGCGGAAGTTGATGAGGATGTCCACAATGAACATGATGTC-3'
Protein context (NP_000229.1, residues 470-490): NFRTTYVNAN[Glu480Gln]EVVSHPGRIA